The following is an entry in ClinVar:

NM_002432.3(MNDA):c.360C>G (p.Asn120Lys)

Gene: MNDA (myeloid cell nuclear differentiation antigen; plus strand). Cytogenetic location: 1q23.1.
Variant type: single nucleotide variant.
Coding change: c.360C>G on transcript NM_002432.3 (MANE Select); coding-DNA position 360, C replaced by G.
Protein change: p.Asn120Lys; replaces asparagine 120 with lysine.
Molecular consequence: missense variant.
Genome position (GRCh38, 1-based): chr1:158,843,373, C>G. VCF-style: chr1-158843373-C-G. GRCh37 (hg19) VCF-style: chr1-158813163-C-G.
Other names: short protein forms N120K.
Identifiers: ClinVar variation 1733193 (VCV001733193.2), dbSNP rs2526079313, ClinGen allele CA343038714.
Genomic context (GRCh38, chr1:158,843,373, plus strand): 5'-AGTGAAAAAAATAAACCAGGAAGAAGTGGGTCTTGCGGCACCTGCACCCACCGCAAGAAA[C>G]AAACTGACATCGGAAGCAAGAGGGAGGATTCCTGTAGCTCAGGTAAGCTTGAGAAAGAGG-3'
Protein context (NP_002423.1, residues 110-130): GLAAPAPTAR[Asn120Lys]KLTSEARGRI

ClinVar aggregate classification (germline): Uncertain significance (1 of 4 stars; one submission).

Submission:

Ambry Genetics
Classification: Uncertain significance. Last evaluated: 2021-11-12. Review status: criteria provided, single submitter. Criteria: Ambry Variant Classification Scheme 2023. Collection method: clinical testing. Allele origin: germline.
Comment: The p.N120K variant (also known as c.360C>G), located in coding exon 2 of the MNDA gene, results from a C to G substitution at nucleotide position 360. The asparagine at codon 120 is replaced by lysine, an amino acid with similar properties. This amino acid position is conserved. In addition, this alteration is predicted to be tolerated by in silico analysis. Since supporting evidence is limited at this time, the clinical significance of this alteration remains unclear.